The following is an entry in ClinVar:

NM_022369.4(STRA6):c.1685-15G>A

Gene: STRA6 (signaling receptor and transporter of retinol STRA6; minus strand). Cytogenetic location: 15q24.1.
Variant type: single nucleotide variant.
Coding change: c.1685-15G>A on transcript NM_022369.4 (MANE Select); 15 bases into the intron before coding-DNA position 1685, G replaced by A.
Molecular consequence: intron variant.
Genome position (GRCh38, 1-based): chr15:74,180,952, C>T on the plus strand (G>A on the coding strand, the complement: STRA6 is on the minus strand). VCF-style: chr15-74180952-C-T. GRCh37 (hg19) VCF-style: chr15-74473293-C-T.
Other names: c.1796-15G>A (NM_001199040.2); c.1658-15G>A (NM_001142619.2); c.1685-15G>A (NM_001142617.2, NM_001142618.2); c.1730-15G>A (NM_001199041.2); c.1802-15G>A (NM_001199042.2).
Identifiers: ClinVar variation 888028 (VCV000888028.8), dbSNP rs151148422, ClinGen allele CA7654468.

ClinVar aggregate classification (germline): Benign. Review status: criteria provided, multiple submitters, no conflicts (2 of 4 stars). 2 submissions from 2 submitters: Benign (2). Last evaluated 2026-01-06.

Conditions:
Microphthalmia, syndromic 9. Also called: PULMONARY AGENESIS, MICROPHTHALMIA, AND DIAPHRAGMATIC DEFECT; SPEAR SYNDROME; Matthew-Wood syndrome; ANOPHTHALMIA, CLINICAL, WITH MILD FACIAL DYSMORPHISM AND VARIABLE MALFORMATIONS OF THE LUNG, HEART, AND DIAPHRAGM; ANOPHTHALMIA/MICROPHTHALMIA AND PULMONARY HYPOPLASIA. Identifiers: Orphanet 2470, MedGen C1832661, MONDO:0011010, OMIM 601186.

Allele frequency attached by ClinVar (database versions not stated): 1000 Genomes Project 0.00439; 1000 Genomes Project 30x 0.00468; ESP Exome Variant Server 0.00708; TOPMed 0.00711.
gnomAD v4.1: 1,767 of 1,613,140 alleles (0.11%); highest among the groups gnomAD compares: African/African-American, 2.1%; 24 homozygotes.

Submissions (2):

Labcorp Genetics (formerly Invitae), Labcorp
Classification: Benign for Microphthalmia, syndromic 9. Last evaluated: 2026-01-06. Review status: criteria provided, single submitter. Criteria: Invitae Variant Classification Sherloc (09022015). Collection method: clinical testing. Allele origin: germline.

Illumina Laboratory Services, Illumina
Classification: Benign for Microphthalmia, syndromic 9. Last evaluated: 2018-01-12. Review status: criteria provided, single submitter. Criteria: ICSL Variant Classification Criteria 13 December 2019. Collection method: clinical testing. Allele origin: germline.
Comment: This variant was observed in the ICSL laboratory as part of a predisposition screen in an ostensibly healthy population. It had not been previously curated by ICSL or reported in the Human Gene Mutation Database (HGMD: prior to June 1st, 2018), and was therefore a candidate for classification through an automated scoring system. Utilizing variant allele frequency, disease prevalence and penetrance estimates, and inheritance mode, an automated score was calculated to assess if this variant is too frequent to cause the disease. Based on the score and internal cut-off values, a variant classified as benign is not then subjected to further curation. The score for this variant resulted in a classification of benign for this disease.